The following is an entry in ClinVar:

NM_003072.5(SMARCA4):c.21C>G (p.Pro7=)

Gene: SMARCA4 (SWI/SNF related BAF chromatin remodeling complex subunit ATPase 4; plus strand). Cytogenetic location: 19p13.2.
Variant type: single nucleotide variant.
Coding change: c.21C>G on transcript NM_003072.5 (MANE Select); coding-DNA position 21, C replaced by G.
Protein change: p.Pro7=; no amino-acid change (proline 7 retained).
Molecular consequence: synonymous variant. On other transcripts: non-coding transcript variant (1).
Genome position (GRCh38, 1-based): chr19:10,984,172, C>G. VCF-style: chr19-10984172-C-G. GRCh37 (hg19) VCF-style: chr19-11094848-C-G.
Other names: c.21C>G, p.Pro7= (NM_001374457.1, NM_001387283.1, NM_001128844.3 and 5 more transcripts).
Identifiers: ClinVar variation 1145632 (VCV001145632.12), dbSNP rs2085802743, ClinGen allele CA505487039.

ClinVar aggregate classification (germline): Benign/Likely benign. Review status: criteria provided, multiple submitters, no conflicts (2 of 4 stars). 3 submissions from 3 submitters: Benign (1); Likely benign (2). Last evaluated 2026-07-08.

Conditions:
Rhabdoid tumor predisposition syndrome 2 (RTPS2). Identifiers: Orphanet 231108, Orphanet 69077, MedGen C2750074, MONDO:0013224, OMIM 613325.
Hereditary cancer-predisposing syndrome. Also called: Hereditary Cancer Syndrome; Hereditary neoplastic syndrome; Neoplastic Syndromes, Hereditary; Tumor predisposition. Identifiers: Orphanet 140162, MedGen C0027672, MeSH D009386, MONDO:0015356.

Allele frequency attached by ClinVar (database versions not stated): TOPMed below 0.00001.
gnomAD v4.1: 1 of 1,613,622 alleles (0.000062%); no homozygotes.

Submissions (3):

Myriad Genetics, Inc.
Classification: Benign for Rhabdoid tumor predisposition syndrome 2. Last evaluated: 2026-07-08. Review status: criteria provided, single submitter. Criteria: Myriad Autosomal Dominant, Autosomal Recessive and X-Linked Classification Criteria (2023). Collection method: clinical testing. Allele origin: unknown.
Comment: This variant is considered benign. This variant is a silent/synonymous amino acid change and it is not expected to impact splicing.

Labcorp Genetics (formerly Invitae), Labcorp
Classification: Likely benign for Rhabdoid tumor predisposition syndrome 2. Last evaluated: 2026-01-13. Review status: criteria provided, single submitter. Criteria: Invitae Variant Classification Sherloc (09022015). Collection method: clinical testing. Allele origin: germline.

Ambry Genetics
Classification: Likely benign for Hereditary cancer-predisposing syndrome. Last evaluated: 2020-12-23. Review status: criteria provided, single submitter. Criteria: Ambry Variant Classification Scheme 2023. Collection method: clinical testing. Allele origin: germline.